The following is an entry in ClinVar:

NM_001367823.1(ARHGEF18):c.2953G>A (p.Glu985Lys)

Gene: ARHGEF18 (Rho/Rac guanine nucleotide exchange factor 18; plus strand). Cytogenetic location: 19p13.2.
Variant type: single nucleotide variant.
Coding change: c.2953G>A on transcript NM_001367823.1 (MANE Select); coding-DNA position 2953, G replaced by A.
Protein change: p.Glu985Lys; replaces glutamic acid 985 with lysine.
Molecular consequence: missense variant.
Genome position (GRCh38, 1-based): chr19:7,466,966, G>A. VCF-style: chr19-7466966-G-A. GRCh37 (hg19) VCF-style: chr19-7531852-G-A.
Other names: c.2227G>A, p.Glu743Lys (NM_001130955.2); c.1915G>A, p.Glu639Lys (NM_001367824.1, NM_015318.4); short protein forms E985K, E639K, E743K.
Identifiers: ClinVar variation 2810991 (VCV002810991.3), dbSNP rs2512340512, ClinGen allele CA403085790.

ClinVar aggregate classification (germline): Uncertain significance (1 of 4 stars; one submission).

Submission:

Labcorp Genetics (formerly Invitae), Labcorp
Classification: Uncertain significance. Last evaluated: 2022-10-31. Review status: criteria provided, single submitter. Criteria: Invitae Variant Classification Sherloc (09022015). Collection method: clinical testing. Allele origin: germline.
Comment: This sequence change replaces glutamic acid, which is acidic and polar, with lysine, which is basic and polar, at codon 797 of the ARHGEF18 protein (p.Glu797Lys). In summary, the available evidence is currently insufficient to determine the role of this variant in disease. Therefore, it has been classified as a Variant of Uncertain Significance. Algorithms developed to predict the effect of missense changes on protein structure and function are either unavailable or do not agree on the potential impact of this missense change (SIFT: "Deleterious"; PolyPhen-2: "Benign"; Align-GVGD: "Class C55"). This variant has not been reported in the literature in individuals affected with ARHGEF18-related conditions. This variant is not present in population databases (gnomAD no frequency).